The following is an entry in ClinVar:

NM_021625.5(TRPV4):c.655C>T (p.Arg219Cys)

Gene: TRPV4 (transient receptor potential cation channel subfamily V member 4; minus strand). Cytogenetic location: 12q24.11.
Variant type: single nucleotide variant.
Coding change: c.655C>T on transcript NM_021625.5 (MANE Select); coding-DNA position 655, C replaced by T.
Protein change: p.Arg219Cys; replaces arginine 219 with cysteine.
Molecular consequence: missense variant.
Genome position (GRCh38, 1-based): chr12:109,803,048, G>A on the plus strand (C>T on the coding strand, the complement: TRPV4 is on the minus strand). VCF-style: chr12-109803048-G-A. GRCh37 (hg19) VCF-style: chr12-110240853-G-A.
Other names: c.655C>T, p.Arg219Cys (NM_001177428.2, NM_001177433.2, NM_147204.3); c.553C>T, p.Arg185Cys (NM_001177431.2); short protein forms R219C, R185C.
Identifiers: ClinVar variation 448712 (VCV000448712.13), dbSNP rs754023659, ClinGen allele CA6780482.
Genomic context (GRCh38, chr12:109,803,048, plus strand): 5'-CACCTCGATAGTAGATGTCACGGAAGGGCGAGTTAATGAACTCCCTCATGTTGCCGGTGC[G>A]CTCCGCGATGTCCAGCAGCACAGGGATGGTGTCGTTGCGGCCATTGCTCAGGTTCAGCAA-3'
Protein context (NP_067638.3, residues 209-229): TIPVLLDIAE[Arg219Cys]TGNMREFINS

ClinVar aggregate classification (germline): Uncertain significance. Review status: criteria provided, multiple submitters, no conflicts (2 of 4 stars). 5 submissions from 5 submitters: Uncertain significance (4). 1 of the submissions does not count toward it. Last evaluated 2025-11-21.

Conditions:
TRPV4-related disorder. Also called: TRPV4-related disorders; TRPV4-related condition.
Inborn genetic diseases. Identifiers: MedGen C0950123, MeSH D030342.
Charcot-Marie-Tooth disease axonal type 2C (HMSN2C). Also called: CHARCOT-MARIE-TOOTH DISEASE, AXONAL, AUTOSOMAL DOMINANT, TYPE 2C; Charcot-Marie-Tooth Neuropathy Type 2C; Charcot-Marie-Tooth Disease Type 2, TRPV4-Related (CMT2C). Identifiers: Orphanet 99937, MedGen C1853710, MONDO:0011633, OMIM 606071.

Allele frequency attached by ClinVar (database versions not stated): gnomAD exomes 0.00002 and 0.00001; ExAC 0.00001; gnomAD 0.00007; TOPMed 0.00009.
gnomAD v4.1: 30 of 1,614,024 alleles (0.0019%); highest among the groups gnomAD compares: African/African-American, 0.021%; no homozygotes.

Submissions (5):

Dasa
Classification: Uncertain significance. Last evaluated: 2025-11-21. Review status: criteria provided, single submitter. Criteria: DASA Assertion Criteria. Collection method: clinical testing. Allele origin: germline.
Comment: NM_021625.5(TRPV4):c.655C>T (p.Arg219Cys) is a missense variant that results in the substitution of arginine with cysteine. This variant is rare in population databases. Computational prediction algorithms are consistent with a deleterious effect. The currently available literature and clinical evidence are not sufficient to establish a definitive association between this variant and the reported condition. Therefore, this variant is classified as a variant of uncertain significance.

Labcorp Genetics (formerly Invitae), Labcorp
Classification: Uncertain significance for Charcot-Marie-Tooth disease axonal type 2C. Last evaluated: 2025-07-28. Review status: criteria provided, single submitter. Criteria: Invitae Variant Classification Sherloc (09022015). Collection method: clinical testing. Allele origin: germline.
Comment: This sequence change replaces arginine, which is basic and polar, with cysteine, which is neutral and slightly polar, at codon 219 of the TRPV4 protein (p.Arg219Cys). This variant is present in population databases (rs754023659, gnomAD 0.02%). This variant has not been reported in the literature in individuals affected with TRPV4-related conditions. ClinVar contains an entry for this variant (Variation ID: 448712). Invitae Evidence Modeling of protein sequence and biophysical properties (such as structural, functional, and spatial information, amino acid conservation, physicochemical variation, residue mobility, and thermodynamic stability) indicates that this missense variant is not expected to disrupt TRPV4 protein function with a negative predictive value of 95%. In summary, the available evidence is currently insufficient to determine the role of this variant in disease. Therefore, it has been classified as a Variant of Uncertain Significance.

Ambry Genetics
Classification: Uncertain significance for Inborn genetic diseases. Last evaluated: 2025-05-18. Review status: criteria provided, single submitter. Criteria: Ambry Variant Classification Scheme 2023. Collection method: clinical testing. Allele origin: germline.

Athena Diagnostics
Classification: Uncertain significance. Last evaluated: 2017-03-29. Review status: criteria provided, single submitter. Criteria: Athena Diagnostics Criteria. Collection method: clinical testing. Allele origin: germline.

PreventionGenetics, part of Exact Sciences
Classification: Uncertain significance for TRPV4-related condition. Last evaluated: 2024-04-04. Review status: no assertion criteria provided. Collection method: clinical testing. Allele origin: germline. Not counted in ClinVar's aggregate classification.
Comment: The TRPV4 c.655C>T variant is predicted to result in the amino acid substitution p.Arg219Cys. To our knowledge, this variant has not been reported in the literature. This variant is reported in 0.020% of alleles in individuals of African descent in gnomAD. At this time, the clinical significance of this variant is uncertain due to the absence of conclusive functional and genetic evidence.